The following is an entry in ClinVar:

ClinVar aggregate classification (germline): Uncertain significance (1 of 4 stars; one submission).

Conditions:
Hereditary cancer-predisposing syndrome. Also called: Neoplastic Syndromes, Hereditary; Tumor predisposition; Hereditary neoplastic syndrome; Hereditary Cancer Syndrome. Identifiers: Orphanet 140162, MedGen C0027672, MeSH D009386, MONDO:0015356.

Submission:

Ambry Genetics
Classification: Uncertain significance for Hereditary cancer-predisposing syndrome. Last evaluated: 2023-12-07. Review status: criteria provided, single submitter. Criteria: Ambry Variant Classification Scheme 2023. Collection method: clinical testing. Allele origin: germline.
Comment: The p.R1795S variant (also known as c.5383C>A), located in coding exon 41 of the TSC2 gene, results from a C to A substitution at nucleotide position 5383. The arginine at codon 1795 is replaced by serine, an amino acid with dissimilar properties. This amino acid position is conserved. In addition, this alteration is predicted to be deleterious by in silico analysis. Since supporting evidence is limited at this time, the clinical significance of this alteration remains unclear.

NM_000548.5(TSC2):c.5383C>A (p.Arg1795Ser)

Gene: TSC2 (TSC complex subunit 2; plus strand). Cytogenetic location: 16p13.3.
Variant type: single nucleotide variant.
Coding change: c.5383C>A on transcript NM_000548.5 (MANE Select); coding-DNA position 5383, C replaced by A.
Protein change: p.Arg1795Ser; replaces arginine 1795 with serine.
Molecular consequence: missense variant. On other transcripts: non-coding transcript variant (5).
Genome position (GRCh38, 1-based): chr16:2,088,569, C>A. VCF-style: chr16-2088569-C-A. GRCh37 (hg19) VCF-style: chr16-2138570-C-A.
Other names: c.5182C>A, p.Arg1728Ser (NM_001077183.3); c.5314C>A, p.Arg1772Ser (NM_001114382.3); c.5074C>A, p.Arg1692Ser (NM_001318827.2); c.5038C>A, p.Arg1680Ser (NM_001318829.2); c.4651C>A, p.Arg1551Ser (NM_001318831.2); c.5215C>A, p.Arg1739Ser (NM_001318832.2); c.5185C>A, p.Arg1729Ser (NM_001363528.2); c.5251C>A, p.Arg1751Ser (NM_001370404.1); and 27 more; short protein forms R1194S, R1280S, R1281S, R1303S, R1304S, R1324S, R1528S, R1529S.
Identifiers: ClinVar variation 3232195 (VCV003232195.1), dbSNP rs45517423, ClinGen allele CA394316006.